The following is an entry in ClinVar:

NM_015047.3(EMC1):c.2432A>G (p.Tyr811Cys)

Genes: EMC1 (ER membrane protein complex subunit 1; minus strand), EMC1-AS1 (EMC1 antisense RNA 1; plus strand). Cytogenetic location: 1p36.13.
Variant type: single nucleotide variant.
Coding change: c.2432A>G on transcript NM_015047.3 (MANE Select); coding-DNA position 2432, A replaced by G.
Protein change: p.Tyr811Cys; replaces tyrosine 811 with cysteine.
Molecular consequence: missense variant.
Genome position (GRCh38, 1-based): chr1:19,222,779, T>C on the plus strand (A>G on the coding strand, the complement: EMC1 is on the minus strand). VCF-style: chr1-19222779-T-C. GRCh37 (hg19) VCF-style: chr1-19549273-T-C.
Other names: c.2432A>G (NM_015047.1); c.2429A>G, p.Tyr810Cys (NM_001271427.2, NM_001271428.2); c.2366A>G, p.Tyr789Cys (NM_001271429.2); c.2441A>G, p.Tyr814Cys (NM_001375820.1); c.2438A>G, p.Tyr813Cys (NM_001375821.1); short protein forms Y811C, Y810C, Y814C, Y789C, Y813C.
Identifiers: ClinVar variation 1479350 (VCV001479350.9), dbSNP rs146394541, ClinGen allele CA652274.

ClinVar aggregate classification (germline): Uncertain significance. Review status: criteria provided, multiple submitters, no conflicts (2 of 4 stars). 2 submissions from 2 submitters: Uncertain significance (2). Last evaluated 2026-01-06.

Conditions:
Inborn genetic diseases. Identifiers: MedGen C0950123, MeSH D030342.

Allele frequency attached by ClinVar (database versions not stated): ExAC 0.00004; gnomAD 0.00007 and 0.00009; ESP Exome Variant Server 0.00008; TOPMed 0.00011.
gnomAD v4.1: 88 of 1,613,994 alleles (0.0055%); highest among the groups gnomAD compares: Admixed American, 0.03%; no homozygotes.

Submissions (2):

Labcorp Genetics (formerly Invitae), Labcorp
Classification: Uncertain significance. Last evaluated: 2026-01-06. Review status: criteria provided, single submitter. Criteria: Invitae Variant Classification Sherloc (09022015). Collection method: clinical testing. Allele origin: germline.
Comment: This sequence change replaces tyrosine, which is neutral and polar, with cysteine, which is neutral and slightly polar, at codon 811 of the EMC1 protein (p.Tyr811Cys). This variant is present in population databases (rs146394541, gnomAD 0.03%). This variant has not been reported in the literature in individuals affected with EMC1-related conditions. ClinVar contains an entry for this variant (Variation ID: 1479350). Invitae Evidence Modeling of protein sequence and biophysical properties (such as structural, functional, and spatial information, amino acid conservation, physicochemical variation, residue mobility, and thermodynamic stability) indicates that this missense variant is expected to disrupt EMC1 protein function with a positive predictive value of 80%. In summary, the available evidence is currently insufficient to determine the role of this variant in disease. Therefore, it has been classified as a Variant of Uncertain Significance.

Ambry Genetics
Classification: Uncertain significance for Inborn genetic diseases. Last evaluated: 2025-10-07. Review status: criteria provided, single submitter. Criteria: Ambry Variant Classification Scheme 2023. Collection method: clinical testing. Allele origin: germline.